The following is an entry in ClinVar:

NM_000051.4(ATM):c.3964dup (p.Leu1322fs)

Gene: ATM (ATM serine/threonine kinase; plus strand). Cytogenetic location: 11q22.3.
Variant type: Duplication.
Coding change: c.3964dup on transcript NM_000051.4 (MANE Select); coding-DNA position 3964, one base duplicated (C; older notation c.3964dupC).
Protein change: p.Leu1322fs; shifts the reading frame from leucine 1322.
Molecular consequence: frameshift variant.
Genome position (GRCh38, 1-based): chr11:108,284,444, C duplicated. VCF-style (leftmost placement, unchanged base first): chr11-108284443-G-GC. GRCh37 (hg19) VCF-style: chr11-108155170-G-GC.
Other names: c.3964dup, p.Leu1322fs (NM_001351834.2); short protein forms L1322fs.
Identifiers: ClinVar variation 1070531 (VCV001070531.7), dbSNP rs2135709622, ClinGen allele CA2499220625.
Genomic context (GRCh38, chr11:108,284,443, plus strand): 5'-GGGTACCAGAGACAGTGGGATGGCACAGCAAAGAGAGACTGCTACCAAGGTCTATGATAT[G>GC]CTTAAAAGTGAAAACTTATTGGGAAAACAGGTATGGCTTCAATTTTTATGTACTTTTCAT-3'

ClinVar aggregate classification (germline): Pathogenic (1 of 4 stars; one submission).

Conditions:
Ataxia-telangiectasia syndrome (AT). Also called: LOUIS-BAR SYNDROME; Ataxia-telangiectasia, complementation group D; AT, COMPLEMENTATION GROUP C; Cerebello-oculocutaneous telangiectasia; Immunodeficiency with ataxia telangiectasia; ATAXIA-TELANGIECTASIA, COMPLEMENTATION GROUP A. Identifiers: Orphanet 100, MedGen C0004135, MONDO:0008840, OMIM 208900.

Submission:

Labcorp Genetics (formerly Invitae), Labcorp
Classification: Pathogenic for Ataxia-telangiectasia syndrome. Last evaluated: 2020-01-31. Review status: criteria provided, single submitter. Criteria: Invitae Variant Classification Sherloc (09022015). Collection method: clinical testing. Allele origin: germline.
Comment: For these reasons, this variant has been classified as Pathogenic. Loss-of-function variants in ATM are known to be pathogenic (PMID: 23807571, 25614872). This sequence change creates a premature translational stop signal (p.Leu1322Profs*2) in the ATM gene. It is expected to result in an absent or disrupted protein product. This variant is not present in population databases (ExAC no frequency). This variant has not been reported in the literature in individuals with ATM-related conditions.

Literature cited by the submitters: PubMed 23807571; PubMed 25614872.